The following is an entry in ClinVar:

NM_001367624.2(ZNF469):c.9283G>T (p.Ala3095Ser)

Gene: ZNF469 (zinc finger protein 469; plus strand). Cytogenetic location: 16q24.2.
Variant type: single nucleotide variant.
Coding change: c.9283G>T on transcript NM_001367624.2 (MANE Select); coding-DNA position 9283, G replaced by T.
Protein change: p.Ala3095Ser; replaces alanine 3095 with serine.
Molecular consequence: missense variant.
Genome position (GRCh38, 1-based): chr16:88,436,753, G>T. VCF-style: chr16-88436753-G-T. GRCh37 (hg19) VCF-style: chr16-88503161-G-T.
Other names: short protein forms A3095S.
Identifiers: ClinVar variation 3726190 (VCV003726190.2).

ClinVar aggregate classification (germline): Uncertain significance (1 of 4 stars; one submission).

Submission:

Labcorp Genetics (formerly Invitae), Labcorp
Classification: Uncertain significance. Last evaluated: 2024-11-27. Review status: criteria provided, single submitter. Criteria: Invitae Variant Classification Sherloc (09022015). Collection method: clinical testing. Allele origin: germline.
Comment: This sequence change replaces alanine, which is neutral and non-polar, with serine, which is neutral and polar, at codon 3067 of the ZNF469 protein (p.Ala3067Ser). This variant is not present in population databases (gnomAD no frequency). This variant has not been reported in the literature in individuals affected with ZNF469-related conditions. An algorithm developed to predict the effect of missense changes on protein structure and function (PolyPhen-2) suggests that this variant is likely to be tolerated. In summary, the available evidence is currently insufficient to determine the role of this variant in disease. Therefore, it has been classified as a Variant of Uncertain Significance.